The following is an entry in ClinVar:

NM_013436.5(NCKAP1):c.1078C>G (p.Gln360Glu)

Gene: NCKAP1 (NCK associated protein 1; minus strand). Cytogenetic location: 2q32.1.
Variant type: single nucleotide variant.
Coding change: c.1078C>G on transcript NM_013436.5 (MANE Select); coding-DNA position 1078, C replaced by G.
Protein change: p.Gln360Glu; replaces glutamine 360 with glutamic acid.
Molecular consequence: missense variant.
Genome position (GRCh38, 1-based): chr2:182,983,309, G>C on the plus strand (C>G on the coding strand, the complement: NCKAP1 is on the minus strand). VCF-style: chr2-182983309-G-C. GRCh37 (hg19) VCF-style: chr2-183848037-G-C.
Other names: c.1096C>G, p.Gln366Glu (NM_205842.3); short protein forms Q360E, Q366E.
Identifiers: ClinVar variation 1696998 (VCV001696998.2), dbSNP rs2105855002, ClinGen allele CA349752651.

ClinVar aggregate classification (germline): Uncertain significance (1 of 4 stars; one submission).

Submission:

GeneDx
Classification: Uncertain significance. Last evaluated: 2022-01-14. Review status: criteria provided, single submitter. Criteria: GeneDx Variant Classification Process June 2021. Collection method: clinical testing. Allele origin: germline. Affected: yes.
Comment: Not observed at significant frequency in large population cohorts (gnomAD); In silico analysis supports that this missense variant does not alter protein structure/function; Has not been previously published as pathogenic or benign to our knowledge